The following is an entry in ClinVar:

NM_001040142.2(SCN2A):c.2149+8A>G

Gene: SCN2A (sodium voltage-gated channel alpha subunit 2; plus strand). Cytogenetic location: 2q24.3.
Variant type: single nucleotide variant.
Coding change: c.2149+8A>G on transcript NM_001040142.2 (MANE Select); 8 bases into the intron after coding-DNA position 2149, A replaced by G.
Molecular consequence: intron variant.
Genome position (GRCh38, 1-based): chr2:165,326,992, A>G. VCF-style: chr2-165326992-A-G. GRCh37 (hg19) VCF-style: chr2-166183502-A-G.
Other names: c.2149+8A>G (NM_001040143.2, NM_001371246.1, NM_001371247.1 and 1 more transcripts).
Identifiers: ClinVar variation 206963 (VCV000206963.12), dbSNP rs199897920, ClinGen allele CA317865.

ClinVar aggregate classification (germline): Benign/Likely benign. Review status: criteria provided, multiple submitters, no conflicts (2 of 4 stars). 3 submissions from 3 submitters: Benign (2); Likely benign (1). Last evaluated 2026-01-21.

Conditions:
Developmental and epileptic encephalopathy, 11 (DEE11). Also called: Early infantile epileptic encephalopathy 11. Identifiers: Orphanet 1934, MedGen C3150987, MONDO:0013388, OMIM 613721.
Seizures, benign familial infantile, 3 (BFIS3). Also called: CONVULSIONS, BENIGN FAMILIAL INFANTILE, 3; Familial neonatal seizures. Identifiers: Orphanet 140927, Orphanet 306, MedGen C1843140, MONDO:0011904, OMIM 607745.

Allele frequency attached by ClinVar (database versions not stated): gnomAD exomes 0.00006 and 0.00027; ExAC 0.00026; TOPMed 0.00029; ESP Exome Variant Server 0.00031; gnomAD 0.00033 and 0.00038; 1000 Genomes Project 30x 0.00156; 1000 Genomes Project 0.00180.
gnomAD v4.1: 175 of 1,613,912 alleles (0.011%); highest among the groups gnomAD compares: East Asian, 0.18%; 3 homozygotes.

Submissions (3):

Labcorp Genetics (formerly Invitae), Labcorp
Classification: Benign for Seizures, benign familial infantile, 3; Developmental and epileptic encephalopathy, 11. Last evaluated: 2026-01-21. Review status: criteria provided, single submitter. Criteria: Invitae Variant Classification Sherloc (09022015). Collection method: clinical testing. Allele origin: germline.

Blueprint Genetics
Classification: Likely benign. Last evaluated: 2024-11-26. Review status: criteria provided, single submitter. Criteria: ACMG Guidelines, 2015. Collection method: clinical testing. Allele origin: germline.

GeneDx
Classification: Benign. Last evaluated: 2014-07-23. Review status: criteria provided, single submitter. Criteria: GeneDx Variant Classification (06012015). Collection method: clinical testing. Allele origin: germline. Affected: yes.
Comment: This variant is considered likely benign or benign based on one or more of the following criteria: it is a conservative change, it occurs at a poorly conserved position in the protein, it is predicted to be benign by multiple in silico algorithms, and/or has population frequency not consistent with disease.